The following is an entry in ClinVar:

NM_004973.4(JARID2):c.3672G>C (p.Ala1224=)

Gene: JARID2 (jumonji and AT-rich interaction domain containing 2; plus strand). Cytogenetic location: 6p22.3.
Variant type: single nucleotide variant.
Coding change: c.3672G>C on transcript NM_004973.4 (MANE Select); coding-DNA position 3672, G replaced by C.
Protein change: p.Ala1224=; no amino-acid change (alanine 1224 retained).
Molecular consequence: synonymous variant.
Genome position (GRCh38, 1-based): chr6:15,520,182, G>C. VCF-style: chr6-15520182-G-C. GRCh37 (hg19) VCF-style: chr6-15520413-G-C.
Other names: c.3156G>C, p.Ala1052= (NM_001267040.1).
Identifiers: ClinVar variation 728864 (VCV000728864.8), dbSNP rs140270073, ClinGen allele CA3643577.

ClinVar aggregate classification (germline): Benign/Likely benign. Review status: criteria provided, multiple submitters, no conflicts (2 of 4 stars). 2 submissions from 2 submitters: Benign (1); Likely benign (1). Last evaluated 2026-03-01.

Allele frequency attached by ClinVar (database versions not stated): ExAC 0.00035; 1000 Genomes Project 30x 0.00047; 1000 Genomes Project 0.00060; ESP Exome Variant Server 0.00077; gnomAD 0.00096; TOPMed 0.00132.
gnomAD v4.1: 354 of 1,613,884 alleles (0.022%); highest among the groups gnomAD compares: African/African-American, 0.43%; no homozygotes.

Submissions (2):

CeGaT Center for Human Genetics Tuebingen
Classification: Likely benign. Last evaluated: 2026-03-01. Review status: criteria provided, single submitter. Criteria: CeGaT Center For Human Genetics Tuebingen Variant Classification Criteria Version 2. Collection method: clinical testing. Allele origin: germline. Affected: yes. Observed: 1 variant allele.
Comment: JARID2: BP4, BP7

Labcorp Genetics (formerly Invitae), Labcorp
Classification: Benign. Last evaluated: 2019-12-31. Review status: criteria provided, single submitter. Criteria: Invitae Variant Classification Sherloc (09022015). Collection method: clinical testing. Allele origin: germline.